The following is an entry in ClinVar:

ClinVar aggregate classification (germline): Conflicting classifications of pathogenicity. Review status: criteria provided, conflicting classifications (1 of 4 stars). 3 submissions from 3 submitters: Uncertain significance (1); Likely benign (2). Last evaluated 2025-10-01.

Conditions:
Developmental and epileptic encephalopathy, 11 (DEE11). Also called: Early infantile epileptic encephalopathy 11. Identifiers: Orphanet 1934, MedGen C3150987, MONDO:0013388, OMIM 613721.
Seizures, benign familial infantile, 3 (BFIS3). Also called: CONVULSIONS, BENIGN FAMILIAL INFANTILE, 3; Familial neonatal seizures. Identifiers: Orphanet 140927, Orphanet 306, MedGen C1843140, MONDO:0011904, OMIM 607745.

Allele frequency attached by ClinVar (database versions not stated): gnomAD 0.00001; gnomAD exomes 0.00002; TOPMed 0.00002; ExAC 0.00003.
gnomAD v4.1: 32 of 1,613,342 alleles (0.002%); highest among the groups gnomAD compares: South Asian, 0.0044%; no homozygotes.

Submissions (3):

CeGaT Center for Human Genetics Tuebingen
Classification: Uncertain significance. Last evaluated: 2025-10-01. Review status: criteria provided, single submitter. Criteria: CeGaT Center For Human Genetics Tuebingen Variant Classification Criteria Version 2. Collection method: clinical testing. Allele origin: germline. Affected: yes. Observed: 1 variant allele.

Labcorp Genetics (formerly Invitae), Labcorp
Classification: Likely benign for Seizures, benign familial infantile, 3; Developmental and epileptic encephalopathy, 11. Last evaluated: 2025-06-10. Review status: criteria provided, single submitter. Criteria: Invitae Variant Classification Sherloc (09022015). Collection method: clinical testing. Allele origin: germline.

GeneDx
Classification: Likely benign. Last evaluated: 2019-06-20. Review status: criteria provided, single submitter. Criteria: GeneDx Variant Classification Process June 2021. Collection method: clinical testing. Allele origin: germline. Affected: yes.
Comment: The majority of missense variants in this gene are considered pathogenic (Stenson et al., 2014); In silico analysis, which includes protein predictors and evolutionary conservation, supports a deleterious effect; Has not been previously published as pathogenic or benign to our knowledge

NM_001040142.2(SCN2A):c.1613G>A (p.Arg538His)

Gene: SCN2A (sodium voltage-gated channel alpha subunit 2; plus strand). Cytogenetic location: 2q24.3.
Variant type: single nucleotide variant.
Coding change: c.1613G>A on transcript NM_001040142.2 (MANE Select); coding-DNA position 1613, G replaced by A.
Protein change: p.Arg538His; replaces arginine 538 with histidine.
Molecular consequence: missense variant.
Genome position (GRCh38, 1-based): chr2:165,315,700, G>A. VCF-style: chr2-165315700-G-A. GRCh37 (hg19) VCF-style: chr2-166172210-G-A.
Other names: p.R538H:CGT>CAT; c.1613G>A, p.Arg538His (NM_001040143.2, NM_001371246.1, NM_001371247.1 and 1 more transcripts); short protein forms R538H.
Identifiers: ClinVar variation 207061 (VCV000207061.17), dbSNP rs761203730, ClinGen allele CA318135.
Genomic context (GRCh38, chr2:165,315,700, plus strand): 5'-AGAAAAATGACAGAGTCCGAAAATCGGAATCTGAAGACAGCATAAGAAGAAAAGGTTTCC[G>A]TTTTTCCTTGGAAGGAAGTAGGCTGACATATGAAAAGAGATTTTCTTCTCCACACCAGGT-3'
Protein context (NP_001035232.1, residues 528-548): SEDSIRRKGF[Arg538His]FSLEGSRLTY